The following is an entry in ClinVar:

NM_138927.4(SON):c.3214C>T (p.Arg1072Cys)

Gene: SON (SON DNA and RNA binding protein; plus strand). Cytogenetic location: 21q22.11.
Variant type: single nucleotide variant.
Coding change: c.3214C>T on transcript NM_138927.4 (MANE Select); coding-DNA position 3214, C replaced by T.
Protein change: p.Arg1072Cys; replaces arginine 1072 with cysteine.
Molecular consequence: missense variant. On other transcripts: non-coding transcript variant (1), intron variant (1).
Genome position (GRCh38, 1-based): chr21:33,552,445, C>T. VCF-style: chr21-33552445-C-T. GRCh37 (hg19) VCF-style: chr21-34924751-C-T.
Other names: c.3214C>T, p.Arg1072Cys (NM_001291411.2, NM_001412133.1, NM_032195.3 and 2 more transcripts); c.245-4711C>T (NM_001291412.3); short protein forms R1072C.
Identifiers: ClinVar variation 1939979 (VCV001939979.5), dbSNP rs746923495, ClinGen allele CA10009233.
Genomic context (GRCh38, chr21:33,552,445, plus strand): 5'-CCTATGGCTGAGCGCTCTATGATGTCAGCTTATGAACGCTCCATGATGTCAGCTTATGAA[C>T]GCTCCATGATGTCCCCAATGGCTGATCGATCTATGATGTCCATGGGTGCTGACCGGTCTA-3'
Protein context (NP_620305.3, residues 1062-1082): YERSMMSAYE[Arg1072Cys]SMMSPMADRS

ClinVar aggregate classification (germline): Uncertain significance (1 of 4 stars; one submission).

Allele frequency attached by ClinVar (database versions not stated): TOPMed below 0.00001; ExAC 0.00001; gnomAD 0.00001.
gnomAD v4.1: 17 of 1,613,812 alleles (0.0011%); highest among the groups gnomAD compares: Admixed American, 0.005%; no homozygotes.

Submission:

Labcorp Genetics (formerly Invitae), Labcorp
Classification: Uncertain significance. Last evaluated: 2022-08-11. Review status: criteria provided, single submitter. Criteria: Invitae Variant Classification Sherloc (09022015). Collection method: clinical testing. Allele origin: germline.
Comment: This sequence change replaces arginine, which is basic and polar, with cysteine, which is neutral and slightly polar, at codon 1072 of the SON protein (p.Arg1072Cys). This variant is present in population databases (rs746923495, gnomAD 0.003%). In summary, the available evidence is currently insufficient to determine the role of this variant in disease. Therefore, it has been classified as a Variant of Uncertain Significance. Algorithms developed to predict the effect of missense changes on protein structure and function are either unavailable or do not agree on the potential impact of this missense change (SIFT: "Deleterious"; PolyPhen-2: "Probably Damaging"; Align-GVGD: "Class C0"). This variant has not been reported in the literature in individuals affected with SON-related conditions.